The following is an entry in ClinVar:

ClinVar aggregate classification (germline): Uncertain significance (1 of 4 stars; one submission).

Conditions:
UBA1-related disorder. Also called: UBA1-related condition.

Submission:

PreventionGenetics, part of Exact Sciences
Classification: Uncertain significance for UBA1-related condition. Last evaluated: 2023-05-16. Review status: criteria provided, single submitter. Criteria: ACMG Guidelines, 2015. Collection method: clinical testing. Allele origin: germline.
Comment: The UBA1 c.2639G>A variant is predicted to result in the amino acid substitution p.Arg880Gln. To our knowledge, this variant has not been reported in the literature or in a large population database, indicating this variant is rare. At this time, the clinical significance of this variant is uncertain due to the absence of conclusive functional and genetic evidence.

NM_003334.4(UBA1):c.2639G>A (p.Arg880Gln)

Gene: UBA1 (ubiquitin like modifier activating enzyme 1; plus strand). Cytogenetic location: Xp11.3.
Variant type: single nucleotide variant.
Coding change: c.2639G>A on transcript NM_003334.4 (MANE Select); coding-DNA position 2639, G replaced by A.
Protein change: p.Arg880Gln; replaces arginine 880 with glutamine.
Molecular consequence: missense variant.
Genome position (GRCh38, 1-based): chrX:47,212,856, G>A. VCF-style: chrX-47212856-G-A. GRCh37 (hg19) VCF-style: chrX-47072255-G-A.
Other names: c.2639G>A, p.Arg880Gln (NM_153280.3); short protein forms R880Q.
Identifiers: ClinVar variation 2633294 (VCV002633294.1), dbSNP rs2521657429, ClinGen allele CA412810091.